The following is an entry in ClinVar:

NM_138694.4(PKHD1):c.4204T>C (p.Cys1402Arg)

Gene: PKHD1 (PKHD1 ciliary IPT domain containing fibrocystin/polyductin; minus strand). Cytogenetic location: 6p12.2.
Variant type: single nucleotide variant.
Coding change: c.4204T>C on transcript NM_138694.4 (MANE Select); coding-DNA position 4204, T replaced by C.
Protein change: p.Cys1402Arg; replaces cysteine 1402 with arginine.
Molecular consequence: missense variant.
Genome position (GRCh38, 1-based): chr6:52,025,606, A>G on the plus strand (T>C on the coding strand, the complement: PKHD1 is on the minus strand). VCF-style: chr6-52025606-A-G. GRCh37 (hg19) VCF-style: chr6-51890404-A-G.
Other names: c.4204T>C, p.Cys1402Arg (NM_170724.3); short protein forms C1402R.
Identifiers: ClinVar variation 652905 (VCV000652905.8), dbSNP rs759930967, ClinGen allele CA3852758.

ClinVar aggregate classification (germline): Uncertain significance. Review status: criteria provided, multiple submitters, no conflicts (2 of 4 stars). 3 submissions from 3 submitters: Uncertain significance (2). 1 of the submissions does not count toward it. Last evaluated 2021-11-14.

Conditions:
Polycystic kidney disease 4 (PKD4). Also called: POLYCYSTIC KIDNEY DISEASE 4 WITH OR WITHOUT POLYCYSTIC LIVER DISEASE; PKD3; Autosomal Recessive Polycystic Kidney Disease – PKHD1; POLYCYSTIC KIDNEY AND HEPATIC DISEASE 1; POLYCYSTIC KIDNEY DISEASE, INFANTILE, TYPE I. Identifiers: MedGen C4540575, MONDO:0033004, OMIM 263200.
Autosomal recessive polycystic kidney disease (ARPKD). Also called: AR polycystic kidney disease. Identifiers: Orphanet 731, Orphanet 8378, MedGen C0085548, MeSH D017044, MONDO:0009889.

Allele frequency attached by ClinVar (database versions not stated): TOPMed 0.00001; gnomAD exomes 0.00002; ExAC 0.00001; gnomAD 0.00001.
gnomAD v4.1: 15 of 1,614,070 alleles (0.00093%); highest among the groups gnomAD compares: Non-Finnish European, 0.0013%; no homozygotes.

Submissions (3):

Fulgent Genetics
Classification: Uncertain significance for Polycystic kidney disease 4. Last evaluated: 2021-11-14. Review status: criteria provided, single submitter. Criteria: ACMG Guidelines, 2015. Collection method: clinical testing. Allele origin: unknown.

Labcorp Genetics (formerly Invitae), Labcorp
Classification: Uncertain significance for Autosomal recessive polycystic kidney disease. Last evaluated: 2021-09-01. Review status: criteria provided, single submitter. Criteria: Invitae Variant Classification Sherloc (09022015). Collection method: clinical testing. Allele origin: germline.
Comment: This sequence change replaces cysteine with arginine at codon 1402 of the PKHD1 protein (p.Cys1402Arg). The cysteine residue is highly conserved and there is a large physicochemical difference between cysteine and arginine. This variant is present in population databases (rs759930967, ExAC 0.001%). This variant has not been reported in the literature in individuals affected with PKHD1-related conditions. Algorithms developed to predict the effect of missense changes on protein structure and function are either unavailable or do not agree on the potential impact of this missense change (SIFT: "Deleterious"; PolyPhen-2: "Probably Damaging"; Align-GVGD: "Class C0"). In summary, the available evidence is currently insufficient to determine the role of this variant in disease. Therefore, it has been classified as a Variant of Uncertain Significance.

Natera, Inc.
Classification: Uncertain significance for Autosomal recessive polycystic kidney disease. Last evaluated: 2020-09-16. Review status: no assertion criteria provided. Collection method: clinical testing. Allele origin: germline. Not counted in ClinVar's aggregate classification.